The following is an entry in ClinVar:

NM_000388.4(CASR):c.1354A>G (p.Ile452Val)

Gene: CASR (calcium sensing receptor; plus strand). Cytogenetic location: 3q21.1.
Variant type: single nucleotide variant.
Coding change: c.1354A>G on transcript NM_000388.4 (MANE Select); coding-DNA position 1354, A replaced by G.
Protein change: p.Ile452Val; replaces isoleucine 452 with valine.
Molecular consequence: missense variant.
Genome position (GRCh38, 1-based): chr3:122,262,389, A>G. VCF-style: chr3-122262389-A-G. GRCh37 (hg19) VCF-style: chr3-121981236-A-G.
Other names: c.1354A>G, p.Ile452Val (NM_001178065.2); short protein forms I452V.
Identifiers: ClinVar variation 410340 (VCV000410340.14), dbSNP rs756206452, ClinGen allele CA2569626.

ClinVar aggregate classification (germline): Uncertain significance. Review status: criteria provided, multiple submitters, no conflicts (2 of 4 stars). 3 submissions from 3 submitters: Uncertain significance (3). Last evaluated 2024-03-11.

Conditions:
Autosomal dominant hypocalcemia 1 (HYPOC1). Also called: HYPOCALCEMIA, FAMILIAL. Identifiers: MedGen C3715128, MONDO:0011013, OMIM 601198.
Familial hypocalciuric hypercalcemia (FHH). Also called: Familial benign hypercalcemia. Identifiers: Orphanet 405, MedGen C1809471, MONDO:0018458.
Nephrolithiasis/nephrocalcinosis. Identifiers: MedGen CN580796.
Neonatal severe primary hyperparathyroidism. Identifiers: Orphanet 417, MedGen C1832615, MONDO:0009397, OMIM 239200.
Epilepsy, idiopathic generalized, susceptibility to, 8. Identifiers: MedGen C2752062, MONDO:0013032, OMIM 612899.
Familial hypocalciuric hypercalcemia 1. Also called: Hypercalcemia, familial benign type 1. Identifiers: Orphanet 405, Orphanet 93372, MedGen C0342637, MONDO:0007791, OMIM 145980.

Allele frequency attached by ClinVar (database versions not stated): gnomAD exomes below 0.00001 and 0.00001; ExAC 0.00001; TOPMed 0.00002.
gnomAD v4.1: 10 of 1,613,630 alleles (0.00062%); highest among the groups gnomAD compares: Non-Finnish European, 0.00085%; no homozygotes.

Submissions (3):

Ambry Genetics
Classification: Uncertain significance for Nephrolithiasis/nephrocalcinosis. Last evaluated: 2024-03-11. Review status: criteria provided, single submitter. Criteria: Ambry Variant Classification Scheme 2023. Collection method: clinical testing. Allele origin: germline.
Comment: The p.I452V variant (also known as c.1354A>G), located in coding exon 3 of the CASR gene, results from an A to G substitution at nucleotide position 1354. The isoleucine at codon 452 is replaced by valine, an amino acid with highly similar properties. This amino acid position is well conserved in available vertebrate species. In addition, the in silico prediction for this alteration is inconclusive. Based on the available evidence, the clinical significance of this alteration remains unclear.

Labcorp Genetics (formerly Invitae), Labcorp
Classification: Uncertain significance for Familial hypocalciuric hypercalcemia; Autosomal dominant hypocalcemia 1. Last evaluated: 2024-02-12. Review status: criteria provided, single submitter. Criteria: Invitae Variant Classification Sherloc (09022015). Collection method: clinical testing. Allele origin: germline.
Comment: This sequence change replaces isoleucine, which is neutral and non-polar, with valine, which is neutral and non-polar, at codon 452 of the CASR protein (p.Ile452Val). This variant is present in population databases (rs756206452, gnomAD 0.0009%). This variant has not been reported in the literature in individuals affected with CASR-related conditions. ClinVar contains an entry for this variant (Variation ID: 410340). An algorithm developed to predict the effect of missense changes on protein structure and function (PolyPhen-2) suggests that this variant is likely to be disruptive. In summary, the available evidence is currently insufficient to determine the role of this variant in disease. Therefore, it has been classified as a Variant of Uncertain Significance.

Fulgent Genetics
Classification: Uncertain significance for Familial hypocalciuric hypercalcemia 1; Neonatal severe primary hyperparathyroidism; Autosomal dominant hypocalcemia 1; Epilepsy, idiopathic generalized, susceptibility to, 8. Last evaluated: 2021-11-14. Review status: criteria provided, single submitter. Criteria: ACMG Guidelines, 2015. Collection method: clinical testing. Allele origin: unknown.